The following is an entry in ClinVar:

NM_003640.5(ELP1):c.3266G>A (p.Trp1089Ter)

Gene: ELP1 (elongator acetyltransferase complex subunit 1; minus strand). Cytogenetic location: 9q31.3.
Variant type: single nucleotide variant.
Coding change: c.3266G>A on transcript NM_003640.5 (MANE Select); coding-DNA position 3266, G replaced by A.
Protein change: p.Trp1089Ter; replaces tryptophan 1089 with a stop codon.
Molecular consequence: nonsense.
Genome position (GRCh38, 1-based): chr9:108,882,144, C>T on the plus strand (G>A on the coding strand, the complement: ELP1 is on the minus strand). VCF-style: chr9-108882144-C-T. GRCh37 (hg19) VCF-style: chr9-111644424-C-T.
Other names: c.2924G>A, p.Trp975Ter (NM_001318360.2); c.2219G>A, p.Trp740Ter (NM_001330749.2); short protein forms W1089*, W740*, W975*.
Identifiers: ClinVar variation 4799707 (VCV004799707.1).
Genomic context (GRCh38, chr9:108,882,144, plus strand): 5'-TGCTTAGCACCCAACATCCAGAGGATTTACAAGATTCTTACCAGCCTCAAAGCTTCTTCC[C>T]AGGCAGCTCCTTCTAACAGCAAGAGCACAGCTTCTTCATAATCCTGACAAGGGAACAGGA-3'

ClinVar aggregate classification (germline): Pathogenic (1 of 4 stars; one submission).

Submission:

Labcorp Genetics (formerly Invitae), Labcorp
Classification: Pathogenic. Last evaluated: 2025-12-08. Review status: criteria provided, single submitter. Criteria: Invitae Variant Classification Sherloc (09022015). Collection method: clinical testing. Allele origin: germline.
Comment: This sequence change creates a premature translational stop signal (p.Trp1089*) in the ELP1 gene. It is expected to result in an absent or disrupted protein product. Loss-of-function variants in ELP1 are known to be pathogenic (PMID: 18303054, 24173031). This variant is not present in population databases (gnomAD no frequency). This variant has not been reported in the literature in individuals affected with ELP1-related conditions. For these reasons, this variant has been classified as Pathogenic.

Literature cited by the submitters: PubMed 18303054; PubMed 24173031.